The following is an entry in ClinVar:

NM_178857.6(RP1L1):c.1396_1410dup (p.Ser470_Cys471insGluProGluSerSer)

Gene: RP1L1 (RP1 like 1). Cytogenetic location: 8p23.1.
Variant type: Duplication.
Coding change: c.1396_1410dup on transcript NM_178857.6 (MANE Select); coding-DNA positions 1396 to 1410, 15 bases duplicated.
Protein change: p.Ser470_Cys471insGluProGluSerSer.
Molecular consequence: inframe insertion.
Genome position: GRCh38 VCF-style: chr8-10612687-A-AGGAGGACTCTGGCTC. GRCh37 (hg19) VCF-style: chr8-10470197-A-AGGAGGACTCTGGCTC.
Identifiers: ClinVar variation 3353019 (VCV003353019.1).
Genomic context (GRCh38, chr8:10,612,687, plus strand): 5'-CCCCTATCTGGGCAGAGGGGCTGGCACTGTCCACCCCGTCCTCCGGGGTCCTGGGGCAGC[A>AGGAGGACTCTGGCTC]GGAGGACTCTGGCTCCGAGCCCTCGGGGAGGCCGGTGCTGGAGGCTGGGCTGGCACTGTC-3'

ClinVar aggregate classification (germline): Uncertain significance (0 of 4 stars; one submission).

Conditions:
RP1L1-related disorder. Also called: RP1L1-related condition.

Submission:

PreventionGenetics, part of Exact Sciences
Classification: Uncertain significance for RP1L1-related condition. Last evaluated: 2024-08-31. Review status: no assertion criteria provided. Collection method: clinical testing. Allele origin: germline.
Comment: The RP1L1 c.1396_1410dup15 variant is predicted to result in an in-frame duplication (p.Glu466_Ser470dup). To our knowledge, this variant has not been reported in the literature. This variant is reported in 0.018% of alleles in individuals of European (Non-Finnish) descent in gnomAD. At this time, the clinical significance of this variant is uncertain due to the absence of conclusive functional and genetic evidence.